The following is an entry in ClinVar:

NM_201384.3(PLEC):c.226C>G (p.Leu76Val)

Gene: PLEC (plectin; minus strand). Cytogenetic location: 8q24.3.
Variant type: single nucleotide variant.
Coding change: c.226C>G on transcript NM_201384.3 (MANE Select); coding-DNA position 226, C replaced by G.
Protein change: p.Leu76Val; replaces leucine 76 with valine.
Molecular consequence: missense variant.
Genome position (GRCh38, 1-based): chr8:143,938,189, G>C on the plus strand (C>G on the coding strand, the complement: PLEC is on the minus strand). VCF-style: chr8-143938189-G-C. GRCh37 (hg19) VCF-style: chr8-145012357-G-C.
Other names: c.307C>G, p.Leu103Val (NM_000445.5); c.184C>G, p.Leu62Val (NM_201378.4); c.160C>G, p.Leu54Val (NM_201379.3); c.637C>G, p.Leu213Val (NM_201380.4); c.130C>G, p.Leu44Val (NM_201381.3); c.226C>G, p.Leu76Val (NM_201382.4); c.238C>G, p.Leu80Val (NM_201383.3); c.307C>G (NM_000445.3, NM_000445.4); short protein forms L213V, L103V, L54V, L76V, L44V, L62V, L80V.
Identifiers: ClinVar variation 1426613 (VCV001426613.8), dbSNP rs782620005, ClinGen allele CA187625919.

ClinVar aggregate classification (germline): Uncertain significance. Review status: criteria provided, multiple submitters, no conflicts (2 of 4 stars). 3 submissions from 3 submitters: Uncertain significance (3). Last evaluated 2025-11-30.

Conditions:
Autosomal recessive limb-girdle muscular dystrophy type 2Q (LGMDR17). Also called: MUSCULAR DYSTROPHY, LIMB-GIRDLE, AUTOSOMAL RECESSIVE 17. Identifiers: Orphanet 254361, MedGen C3150989, MONDO:0013390, OMIM 613723.
Epidermolysis bullosa simplex, Ogna type (EBS5A). Also called: Pidermolysis bullosa simplex 5A, Ogna type; EPIDERMOLYSIS BULLOSA SIMPLEX 5A, OGNA TYPE. Identifiers: Orphanet 79401, MedGen C0432317, MONDO:0007555, OMIM 131950.
Epidermolysis bullosa simplex 5B, with muscular dystrophy (EBS5B). Also called: EPIDERMOLYSIS BULLOSA SIMPLEX AND LIMB-GIRDLE MUSCULAR DYSTROPHY; Epidermolysis bullosa simplex with muscular dystrophy. Identifiers: Orphanet 257, MedGen C2931072, MONDO:0009181, OMIM 226670.
Epidermolysis bullosa simplex 5C, with pyloric atresia (EBS5C). Also called: PLEC-Related Epidermolysis Bullosa with Pyloric Atresia; Epidermolysis bullosa simplex with pyloric atresia; PLEC1-Related Epidermolysis Bullosa with Pyloric Atresia. Identifiers: Orphanet 158684, MedGen C2677349, MONDO:0012807, OMIM 612138.
Epidermolysis bullosa simplex with nail dystrophy (EBS5D). Identifiers: MedGen C4225309, MONDO:0014661, OMIM 616487.
PLEC-related disorder. Also called: PLEC-related disorders; PLEC-related condition.
Inborn genetic diseases. Identifiers: MedGen C0950123, MeSH D030342.

Allele frequency attached by ClinVar (database versions not stated): gnomAD exomes 0.00001.

Submissions (3):

PreventionGenetics, part of Exact Sciences
Classification: Uncertain significance for PLEC-related condition. Last evaluated: 2025-11-30. Review status: criteria provided, single submitter. Criteria: ACMG Guidelines, 2015. Collection method: clinical testing. Allele origin: germline.
Comment: The PLEC c.307C>G variant is predicted to result in the amino acid substitution p.Leu103Val. To our knowledge, this variant has not been reported in the literature or in a large population database (gnomAD), indicating this variant is rare. At this time, the clinical significance of this variant is uncertain due to the absence of conclusive functional and genetic evidence.

Ambry Genetics
Classification: Uncertain significance for Inborn genetic diseases. Last evaluated: 2025-06-25. Review status: criteria provided, single submitter. Criteria: Ambry Variant Classification Scheme 2023. Collection method: clinical testing. Allele origin: germline.

Labcorp Genetics (formerly Invitae), Labcorp
Classification: Uncertain significance for Autosomal recessive limb-girdle muscular dystrophy type 2Q; Epidermolysis bullosa simplex, Ogna type; Epidermolysis bullosa simplex with nail dystrophy; Epidermolysis bullosa simplex 5C, with pyloric atresia; Epidermolysis bullosa simplex 5B, with muscular dystrophy. Last evaluated: 2021-10-15. Review status: criteria provided, single submitter. Criteria: Invitae Variant Classification Sherloc (09022015). Collection method: clinical testing. Allele origin: germline.
Comment: In summary, the available evidence is currently insufficient to determine the role of this variant in disease. Therefore, it has been classified as a Variant of Uncertain Significance. Algorithms developed to predict the effect of missense changes on protein structure and function are either unavailable or do not agree on the potential impact of this missense change (SIFT: "Deleterious"; PolyPhen-2: "Not Available"; Align-GVGD: "Class C0"). This variant has not been reported in the literature in individuals affected with PLEC-related conditions. This variant is not present in population databases (ExAC no frequency). This sequence change replaces leucine with valine at codon 103 of the PLEC protein (p.Leu103Val). The leucine residue is highly conserved and there is a small physicochemical difference between leucine and valine.